The following is an entry in ClinVar:

NM_000290.4(PGAM2):c.257G>A (p.Arg86His)

Genes: DBNL (drebrin like; plus strand), PGAM2 (phosphoglycerate mutase 2; minus strand), LOC129998343 (ATAC-STARR-seq lymphoblastoid active region 25926; plus strand). Cytogenetic location: 7p13.
Variant type: single nucleotide variant.
Coding change: c.257G>A on transcript NM_000290.4 (MANE Select); coding-DNA position 257, G replaced by A.
Protein change: p.Arg86His; replaces arginine 86 with histidine.
Molecular consequence: missense variant. On other transcripts: 3 prime UTR variant (6).
Genome position (GRCh38, 1-based): chr7:44,065,273, C>T on the plus strand (G>A on the coding strand, the complement: PGAM2 is on the minus strand). VCF-style: chr7-44065273-C-T. GRCh37 (hg19) VCF-style: chr7-44104872-C-T.
Other names: c.*4357C>T (NM_001014436.3, NM_001122956.2, NM_001284313.2 and 3 more transcripts); short protein forms R86H.
Identifiers: ClinVar variation 2076137 (VCV002076137.1), dbSNP rs766643060, ClinGen allele CA4236639.

ClinVar aggregate classification (germline): Uncertain significance (1 of 4 stars; one submission).

Conditions:
Glycogen storage disease type X (GSD10). Also called: PGAMM DEFICIENCY; PHOSPHOGLYCERATE MUTASE, MUSCLE, DEFICIENCY OF; Dimauro disease; Glycogen storage disease due to phosphoglycerate mutase deficiency; GSD X; MYOPATHY DUE TO PHOSPHOGLYCERATE MUTASE DEFICIENCY. Identifiers: Orphanet 97234, MedGen C0268149, MONDO:0009865, OMIM 261670.

Allele frequency attached by ClinVar (database versions not stated): gnomAD exomes 0.00006; gnomAD 0.00009; TOPMed 0.00013; ExAC 0.00026.
gnomAD v4.1: 107 of 1,613,540 alleles (0.0066%); highest among the groups gnomAD compares: Admixed American, 0.092%; no homozygotes.

Submission:

Labcorp Genetics (formerly Invitae), Labcorp
Classification: Uncertain significance for Glycogen storage disease type X. Last evaluated: 2022-09-26. Review status: criteria provided, single submitter. Criteria: Invitae Variant Classification Sherloc (09022015). Collection method: clinical testing. Allele origin: germline.
Comment: This sequence change replaces arginine, which is basic and polar, with histidine, which is basic and polar, at codon 86 of the PGAM2 protein (p.Arg86His). This variant is present in population databases (rs766643060, gnomAD 0.1%). This variant has not been reported in the literature in individuals affected with PGAM2-related conditions. Advanced modeling of protein sequence and biophysical properties (such as structural, functional, and spatial information, amino acid conservation, physicochemical variation, residue mobility, and thermodynamic stability) performed at Invitae indicates that this missense variant is not expected to disrupt PGAM2 protein function. In summary, the available evidence is currently insufficient to determine the role of this variant in disease. Therefore, it has been classified as a Variant of Uncertain Significance.